The following is an entry in ClinVar:

ClinVar aggregate classification (germline): Uncertain significance (1 of 4 stars; one submission).

Submission:

Labcorp Genetics (formerly Invitae), Labcorp
Classification: Uncertain significance. Last evaluated: 2024-02-11. Review status: criteria provided, single submitter. Criteria: Invitae Variant Classification Sherloc (09022015). Collection method: clinical testing. Allele origin: germline.
Comment: This sequence change replaces glutamine, which is neutral and polar, with proline, which is neutral and non-polar, at codon 542 of the TRIM8 protein (p.Gln542Pro). This variant is not present in population databases (gnomAD no frequency). This variant has not been reported in the literature in individuals affected with TRIM8-related conditions. An algorithm developed to predict the effect of missense changes on protein structure and function (PolyPhen-2) suggests that this variant is likely to be disruptive. In summary, the available evidence is currently insufficient to determine the role of this variant in disease. Therefore, it has been classified as a Variant of Uncertain Significance.

NM_030912.3(TRIM8):c.1625A>C (p.Gln542Pro)

Gene: TRIM8 (tripartite motif containing 8; plus strand). Cytogenetic location: 10q24.32.
Variant type: single nucleotide variant.
Coding change: c.1625A>C on transcript NM_030912.3 (MANE Select); coding-DNA position 1625, A replaced by C.
Protein change: p.Gln542Pro; replaces glutamine 542 with proline.
Molecular consequence: missense variant. On other transcripts: non-coding transcript variant (1).
Genome position (GRCh38, 1-based): chr10:102,657,323, A>C. VCF-style: chr10-102657323-A-C. GRCh37 (hg19) VCF-style: chr10-104417080-A-C.
Other names: c.1529A>C, p.Gln510Pro (NM_001345950.1); short protein forms Q510P, Q542P.
Identifiers: ClinVar variation 3640138 (VCV003640138.2).
Genomic context (GRCh38, chr10:102,657,323, plus strand): 5'-GAGACTGGCTTGACGCCTCCCAGCAGCCCGGCCACCAGGATTTCTACAGGGTGTATGGGC[A>C]GCCGTCCACCAAACACTACGTGACGAGCTAACGCCACGCAGGCGGCGGGGCGCTGGGGAA-3'
Protein context (NP_112174.2, residues 532-551): GHQDFYRVYG[Gln542Pro]PSTKHYVTS